The following is an entry in ClinVar:

NM_005378.6(MYCN):c.-214G>T

Genes: MYCN (MYCN proto-oncogene, bHLH transcription factor; plus strand), MYCNOS (MYCN opposite strand; minus strand). Cytogenetic location: 2p24.3.
Variant type: single nucleotide variant.
Coding change: c.-214G>T on transcript NM_005378.6 (MANE Select); 214 bases upstream of the start codon, G replaced by T.
Molecular consequence: 5 prime UTR variant. On other transcripts: missense variant (2).
Genome position (GRCh38, 1-based): chr2:15,940,647, G>T. VCF-style: chr2-15940647-G-T. GRCh37 (hg19) VCF-style: chr2-16080769-G-T.
Other names: c.61G>T (NM_001293231.1); c.-524G>T (NM_001293228.2); c.61G>T, p.Ala21Ser (NM_001293231.2, NM_001293233.2); short protein forms A21S.
Identifiers: ClinVar variation 2650691 (VCV002650691.27), dbSNP rs569527205, ClinGen allele CA43191900.

ClinVar aggregate classification (germline): Conflicting classifications of pathogenicity. Review status: criteria provided, conflicting classifications (1 of 4 stars). 4 submissions from 4 submitters: Uncertain significance (1); Likely benign (2). 1 of the submissions does not count toward it. Last evaluated 2026-05-01.

Conditions:
Feingold syndrome type 1 (FGLDS1). Also called: MICROCEPHALY, MENTAL RETARDATION, AND TRACHEOESOPHAGEAL FISTULA SYNDROME; MICROCEPHALY-OCULO-DIGITO-ESOPHAGEAL-DUODENAL SYNDROME; OCULODIGITOESOPHAGODUODENAL SYNDROME; ODED SYNDROME; MICROCEPHALY AND DIGITAL ABNORMALITIES WITH NORMAL INTELLIGENCE. Identifiers: Orphanet 1305, Orphanet 391641, MedGen C4551774, MONDO:0008115, OMIM 164280.
Megalencephaly-polydactyly syndrome (MPAPA). Identifiers: MedGen C5935591, MONDO:0958279, OMIM 620748.
MYCN-related disorder. Also called: MYCN-related condition.

Allele frequency attached by ClinVar (database versions not stated): 1000 Genomes Project 0.00100; TOPMed 0.00150; gnomAD exomes 0.00174.
gnomAD v4.1: 650 of 400,356 alleles (0.16%); highest among the groups gnomAD compares: Non-Finnish European, 0.24%; no homozygotes.

Submissions (4):

CeGaT Center for Human Genetics Tuebingen
Classification: Likely benign. Last evaluated: 2026-05-01. Review status: criteria provided, single submitter. Criteria: CeGaT Center For Human Genetics Tuebingen Variant Classification Criteria Version 2. Collection method: clinical testing. Allele origin: germline. Affected: yes. Observed: 6 variant alleles.
Comment: MYCN: BS1

Blueprint Genetics
Classification: Likely benign. Last evaluated: 2024-10-24. Review status: criteria provided, single submitter. Criteria: ACMG Guidelines, 2015. Collection method: clinical testing. Allele origin: germline.

Department of Pathology and Laboratory Medicine, Sinai Health System
Classification: Uncertain significance for Feingold syndrome type 1; Megalencephaly-polydactyly syndrome. Last evaluated: 2022-12-20. Review status: criteria provided, single submitter. Criteria: ACMG Guidelines, 2015. Collection method: research. Allele origin: germline.

PreventionGenetics, part of Exact Sciences
Classification: Likely benign for MYCN-related condition. Last evaluated: 2021-01-22. Review status: no assertion criteria provided. Collection method: clinical testing. Allele origin: germline. Not counted in ClinVar's aggregate classification.
Comment: This variant is classified as likely benign based on ACMG/AMP sequence variant interpretation guidelines (Richards et al. 2015 PMID: 25741868, with internal and published modifications).